The following is an entry in ClinVar:

NM_022772.4(EPS8L2):c.328-6C>G

Gene: EPS8L2 (EPS8 signaling adaptor L2; plus strand). Cytogenetic location: 11p15.5.
Variant type: single nucleotide variant.
Coding change: c.328-6C>G on transcript NM_022772.4 (MANE Select); 6 bases into the intron before coding-DNA position 328, C replaced by G.
Molecular consequence: intron variant.
Genome position (GRCh38, 1-based): chr11:720,591, C>G. VCF-style: chr11-720591-C-G. GRCh37 (hg19) VCF-style: chr11-720591-C-G.
Identifiers: ClinVar variation 2025702 (VCV002025702.4), dbSNP rs1170466083, ClinGen allele CA378963680.

ClinVar aggregate classification (germline): Uncertain significance (1 of 4 stars; one submission).

Submission:

Labcorp Genetics (formerly Invitae), Labcorp
Classification: Uncertain significance. Last evaluated: 2022-08-21. Review status: criteria provided, single submitter. Criteria: Invitae Variant Classification Sherloc (09022015). Collection method: clinical testing. Allele origin: germline.
Comment: In summary, the available evidence is currently insufficient to determine the role of this variant in disease. Therefore, it has been classified as a Variant of Uncertain Significance. Algorithms developed to predict the effect of sequence changes on RNA splicing suggest that this variant may disrupt the consensus splice site. This variant has not been reported in the literature in individuals affected with EPS8L2-related conditions. The frequency data for this variant in the population databases is considered unreliable, as metrics indicate poor data quality at this position in the gnomAD database. This sequence change falls in intron 5 of the EPS8L2 gene. It does not directly change the encoded amino acid sequence of the EPS8L2 protein.